The following is an entry in ClinVar:

ClinVar aggregate classification (germline): Likely pathogenic (1 of 4 stars; one submission).

Conditions:
Pitt-Hopkins syndrome (PTHS). Also called: ENCEPHALOPATHY, SEVERE EPILEPTIC, WITH AUTONOMIC DYSFUNCTION; MENTAL RETARDATION, SYNDROMAL, WITH INTERMITTENT HYPERVENTILATION. Identifiers: Orphanet 2896, MedGen C1970431, MONDO:0012589, OMIM 610954.

Allele frequency attached by ClinVar (database versions not stated): gnomAD 0.00001; TOPMed 0.00001.
gnomAD v4.1: 1 of 1,613,874 alleles (0.000062%); highest among the groups gnomAD compares: Non-Finnish European, 0.000085%; no homozygotes.

Submission:

Labcorp Genetics (formerly Invitae), Labcorp
Classification: Likely pathogenic for Pitt-Hopkins syndrome. Last evaluated: 2024-01-29. Review status: criteria provided, single submitter. Criteria: Invitae Variant Classification Sherloc (09022015). Collection method: clinical testing. Allele origin: germline.
Comment: This sequence change affects an acceptor splice site in intron 3 of the TCF4 gene. It is expected to disrupt RNA splicing. Variants that disrupt the donor or acceptor splice site typically lead to a loss of protein function (PMID: 16199547), and loss-of-function variants in TCF4 are known to be pathogenic (PMID: 18728071, 22045651). This variant is not present in population databases (gnomAD no frequency). This variant has not been reported in the literature in individuals affected with TCF4-related conditions. Algorithms developed to predict the effect of sequence changes on RNA splicing suggest that this variant may disrupt the consensus splice site. In summary, the currently available evidence indicates that the variant is pathogenic, but additional data are needed to prove that conclusively. Therefore, this variant has been classified as Likely Pathogenic.

Literature cited by the submitters: PubMed 16199547; PubMed 18728071; PubMed 22045651.

NM_001083962.2(TCF4):c.146-1G>A

Genes: TCF4 (transcription factor 4; minus strand), TCF4-AS1 (TCF4 antisense RNA 1; plus strand). Cytogenetic location: 18q21.2.
Variant type: single nucleotide variant.
Coding change: c.146-1G>A on transcript NM_001083962.2 (MANE Select); the canonical splice acceptor site of the intron before coding-DNA position 146, G replaced by A.
Molecular consequence: splice acceptor variant.
Genome position (GRCh38, 1-based): chr18:55,464,138, C>T on the plus strand (G>A on the coding strand, the complement: TCF4 is on the minus strand). VCF-style: chr18-55464138-C-T. GRCh37 (hg19) VCF-style: chr18-53131369-C-T.
Other names: c.452-1G>A (NM_001243226.3); c.74-1G>A (NM_001369584.1, NM_001369576.1, NM_001369577.1 and 15 more transcripts); c.146-1G>A (NM_001369571.1, NM_001369567.1, NM_001243228.2 and 8 more transcripts); c.140-1G>A (NM_001243230.2); c.20-1G>A (NM_001243231.2, NM_001348211.2).
Identifiers: ClinVar variation 2846666 (VCV002846666.3), dbSNP rs895426748, ClinGen allele CA301165344.